The following is an entry in ClinVar:

ClinVar aggregate classification (germline): Uncertain significance. Review status: criteria provided, multiple submitters, no conflicts (2 of 4 stars). 4 submissions from 4 submitters: Uncertain significance (4). Last evaluated 2026-01-27.

Conditions:
Baller-Gerold syndrome (BGS). Also called: CRANIOSYNOSTOSIS WITH RADIAL DEFECTS. Identifiers: Orphanet 1225, MedGen C0265308, MONDO:0009039, OMIM 218600.

Allele frequency attached by ClinVar (database versions not stated): gnomAD exomes 0.00004 and 0.00005; ExAC 0.00008; gnomAD 0.00014; TOPMed 0.00015.

Submissions (4):

Labcorp Genetics (formerly Invitae), Labcorp
Classification: Uncertain significance for Baller-Gerold syndrome. Last evaluated: 2026-01-27. Review status: criteria provided, single submitter. Criteria: Invitae Variant Classification Sherloc (09022015). Collection method: clinical testing. Allele origin: germline.
Comment: This sequence change replaces alanine, which is neutral and non-polar, with threonine, which is neutral and polar, at codon 746 of the RECQL4 protein (p.Ala746Thr). This variant is present in population databases (rs758736784, gnomAD 0.02%). This variant has not been reported in the literature in individuals affected with RECQL4-related conditions. ClinVar contains an entry for this variant (Variation ID: 407043). Invitae Evidence Modeling of protein sequence and biophysical properties (such as structural, functional, and spatial information, amino acid conservation, physicochemical variation, residue mobility, and thermodynamic stability) indicates that this missense variant is expected to disrupt RECQL4 protein function with a positive predictive value of 80%. In summary, the available evidence is currently insufficient to determine the role of this variant in disease. Therefore, it has been classified as a Variant of Uncertain Significance.

Baylor Genetics
Classification: Uncertain significance for Baller-Gerold syndrome. Last evaluated: 2023-05-31. Review status: criteria provided, single submitter. Criteria: ACMG Guidelines, 2015. Collection method: clinical testing. Allele origin: unknown.

GeneDx
Classification: Uncertain significance. Last evaluated: 2022-08-23. Review status: criteria provided, single submitter. Criteria: GeneDx Variant Classification Process June 2021. Collection method: clinical testing. Allele origin: germline. Affected: yes.
Comment: In silico analysis supports that this missense variant has a deleterious effect on protein structure/function; Has not been previously published as pathogenic or benign to our knowledge

Institute for Clinical Genetics, University Hospital TU Dresden, University Hospital TU Dresden
Classification: Uncertain significance. Last evaluated: 2021-11-03. Review status: criteria provided, single submitter. Criteria: ACMG Guidelines, 2015. Collection method: clinical testing. Allele origin: germline.

NM_004260.4(RECQL4):c.2236G>A (p.Ala746Thr)

Gene: RECQL4 (RecQ like helicase 4; minus strand). Cytogenetic location: 8q24.3.
Variant type: single nucleotide variant.
Coding change: c.2236G>A on transcript NM_004260.4 (MANE Select); coding-DNA position 2236, G replaced by A.
Protein change: p.Ala746Thr; replaces alanine 746 with threonine.
Molecular consequence: missense variant.
Genome position (GRCh38, 1-based): chr8:144,513,445, C>T on the plus strand (G>A on the coding strand, the complement: RECQL4 is on the minus strand). VCF-style: chr8-144513445-C-T. GRCh37 (hg19) VCF-style: chr8-145738829-C-T.
Other names: short protein forms A746T.
Identifiers: ClinVar variation 407043 (VCV000407043.13), dbSNP rs758736784, ClinGen allele CA4948371.